The following is an entry in ClinVar:

NM_006017.3(PROM1):c.950A>G (p.Asn317Ser)

Gene: PROM1 (prominin 1; minus strand). Cytogenetic location: 4p15.32.
Variant type: single nucleotide variant.
Coding change: c.950A>G on transcript NM_006017.3 (MANE Select); coding-DNA position 950, A replaced by G.
Protein change: p.Asn317Ser; replaces asparagine 317 with serine.
Molecular consequence: missense variant.
Genome position (GRCh38, 1-based): chr4:16,018,375, T>C on the plus strand (A>G on the coding strand, the complement: PROM1 is on the minus strand). VCF-style: chr4-16018375-T-C. GRCh37 (hg19) VCF-style: chr4-16019998-T-C.
Other names: c.923A>G, p.Asn308Ser (NM_001145847.2, NM_001145848.2, NM_001145851.2 and 4 more transcripts); c.950A>G, p.Asn317Ser (NM_001145849.2, NM_001145850.2); short protein forms N308S, N317S.
Identifiers: ClinVar variation 1024580 (VCV001024580.8), dbSNP rs1728947654, ClinGen allele CA356419431.

ClinVar aggregate classification (germline): Uncertain significance (1 of 4 stars; one submission).

Submission:

Labcorp Genetics (formerly Invitae), Labcorp
Classification: Uncertain significance. Last evaluated: 2020-08-25. Review status: criteria provided, single submitter. Criteria: Invitae Variant Classification Sherloc (09022015). Collection method: clinical testing. Allele origin: germline.
Comment: In summary, the available evidence is currently insufficient to determine the role of this variant in disease. Therefore, it has been classified as a Variant of Uncertain Significance. Algorithms developed to predict the effect of missense changes on protein structure and function output the following: SIFT: "Tolerated"; PolyPhen-2: "Benign"; Align-GVGD: "Class C0". The serine amino acid residue is found in multiple mammalian species, suggesting that this missense change does not adversely affect protein function. These predictions have not been confirmed by published functional studies and their clinical significance is uncertain. This variant has not been reported in the literature in individuals with PROM1-related conditions. This variant is not present in population databases (ExAC no frequency). This sequence change replaces asparagine with serine at codon 317 of the PROM1 protein (p.Asn317Ser). The asparagine residue is weakly conserved and there is a small physicochemical difference between asparagine and serine.